The following is an entry in ClinVar:

ClinVar aggregate classification (germline): Uncertain significance (1 of 4 stars; one submission).

gnomAD v4.1: 2 of 1,614,206 alleles (0.00012%); highest among the groups gnomAD compares: South Asian, 0.0022%; no homozygotes.

Submission:

Ambry Genetics
Classification: Uncertain significance. Last evaluated: 2024-09-18. Review status: criteria provided, single submitter. Criteria: Ambry Variant Classification Scheme 2023. Collection method: clinical testing. Allele origin: germline.
Comment: The p.L1047S variant (also known as c.3140T>C), located in coding exon 28 of the KIF1B gene, results from a T to C substitution at nucleotide position 3140. The leucine at codon 1047 is replaced by serine, an amino acid with dissimilar properties. This amino acid position is conserved. In addition, the in silico prediction for this alteration is inconclusive. Based on the available evidence, the clinical significance of this variant remains unclear.

NM_001365951.3(KIF1B):c.3278T>C (p.Leu1093Ser)

Gene: KIF1B (kinesin family member 1B; plus strand). Cytogenetic location: 1p36.22.
Variant type: single nucleotide variant.
Coding change: c.3278T>C on transcript NM_001365951.3 (MANE Select); coding-DNA position 3278, T replaced by C.
Protein change: p.Leu1093Ser; replaces leucine 1093 with serine.
Molecular consequence: missense variant.
Genome position (GRCh38, 1-based): chr1:10,337,389, T>C. VCF-style: chr1-10337389-T-C. GRCh37 (hg19) VCF-style: chr1-10397447-T-C.
Other names: c.3278T>C, p.Leu1093Ser (NM_001365952.1); c.3140T>C, p.Leu1047Ser (NM_015074.3); short protein forms L1047S, L1093S.
Identifiers: ClinVar variation 3533894 (VCV003533894.1).